The following is an entry in ClinVar:

ClinVar aggregate classification (germline): Uncertain significance (1 of 4 stars; one submission).

Allele frequency attached by ClinVar (database versions not stated): gnomAD exomes below 0.00001; TOPMed below 0.00001.
gnomAD v4.1: 5 of 1,614,110 alleles (0.00031%); highest among the groups gnomAD compares: Admixed American, 0.0017%; no homozygotes.

Submission:

Labcorp Genetics (formerly Invitae), Labcorp
Classification: Uncertain significance. Last evaluated: 2022-08-16. Review status: criteria provided, single submitter. Criteria: Invitae Variant Classification Sherloc (09022015). Collection method: clinical testing. Allele origin: germline.
Comment: In summary, the available evidence is currently insufficient to determine the role of this variant in disease. Therefore, it has been classified as a Variant of Uncertain Significance. Algorithms developed to predict the effect of missense changes on protein structure and function (SIFT, PolyPhen-2, Align-GVGD) all suggest that this variant is likely to be disruptive. ClinVar contains an entry for this variant (Variation ID: 1490657). This variant has not been reported in the literature in individuals affected with ABCG8-related conditions. This variant is present in population databases (no rsID available, gnomAD 0.0009%). This sequence change replaces aspartic acid, which is acidic and polar, with glycine, which is neutral and non-polar, at codon 358 of the ABCG8 protein (p.Asp358Gly).

NM_022437.3(ABCG8):c.1073A>G (p.Asp358Gly)

Gene: ABCG8 (ATP binding cassette subfamily G member 8; plus strand). Cytogenetic location: 2p21.
Variant type: single nucleotide variant.
Coding change: c.1073A>G on transcript NM_022437.3 (MANE Select); coding-DNA position 1073, A replaced by G.
Protein change: p.Asp358Gly; replaces aspartic acid 358 with glycine.
Molecular consequence: missense variant.
Genome position (GRCh38, 1-based): chr2:43,872,084, A>G. VCF-style: chr2-43872084-A-G. GRCh37 (hg19) VCF-style: chr2-44099223-A-G.
Other names: c.1073A>G, p.Asp358Gly (NM_001357321.2); short protein forms D358G.
Identifiers: ClinVar variation 1490657 (VCV001490657.8), dbSNP rs1193359721, ClinGen allele CA346668924.
Genomic context (GRCh38, chr2:43,872,084, plus strand): 5'-CCAGGGAGAAGGCTCAGTCACTCGCAGCCCTGTTTCTAGAAAAAGTGCGTGACTTAGATG[A>G]CTTTCTATGGAAAGCAGAGACGAAGGATCTTGACGAGGACACCTGTGTGGAAAGGTAAGG-3'
Protein context (NP_071882.1, residues 348-368): LFLEKVRDLD[Asp358Gly]FLWKAETKDL